The following is an entry in ClinVar:

NM_001267550.2(TTN):c.52826A>T (p.Gln17609Leu)

Genes: TTN (titin; minus strand), TTN-AS1 (TTN antisense RNA 1; plus strand), LOC126806425 (BRD4-independent group 4 enhancer GRCh37_chr2:179471933-179473132; plus strand). Cytogenetic location: 2q31.2.
Variant type: single nucleotide variant.
Coding change: c.52826A>T on transcript NM_001267550.2 (MANE Select); coding-DNA position 52826, A replaced by T.
Protein change: p.Gln17609Leu; replaces glutamine 17609 with leucine.
Molecular consequence: missense variant.
Genome position (GRCh38, 1-based): chr2:178,607,961, T>A on the plus strand (A>T on the coding strand, the complement: TTN is on the minus strand). VCF-style: chr2-178607961-T-A. GRCh37 (hg19) VCF-style: chr2-179472688-T-A.
Other names: p.Gln15968Leu; c.45122A>T, p.Gln15041Leu (NM_133378.4); c.47903A>T, p.Gln15968Leu (NM_001256850.1); c.25631A>T, p.Gln8544Leu (NM_003319.4); c.26006A>T, p.Gln8669Leu (NM_133432.3); c.26207A>T, p.Gln8736Leu (NM_133437.4); c.52826A>T (NM_001267550.1); short protein forms Q17609L, Q15041L, Q8544L, Q8669L, Q8736L, Q15968L.
Identifiers: ClinVar variation 282638 (VCV000282638.27), dbSNP rs368820294, ClinGen allele CA1993920.

ClinVar aggregate classification (germline): Conflicting classifications of pathogenicity. Review status: criteria provided, conflicting classifications (1 of 4 stars). 14 submissions from 14 submitters: Uncertain significance (8); Likely benign (4). 2 of the submissions do not count toward it. Last evaluated 2025-11-16.

Conditions:
Cardiovascular phenotype. Identifiers: MedGen CN230736.
TTN-related disorder. Also called: TTN-related condition; TTN-related disease; TTN-related disorders.
Autosomal recessive limb-girdle muscular dystrophy type 2J (LGMDR10). Also called: MUSCULAR DYSTROPHY, LIMB-GIRDLE, AUTOSOMAL RECESSIVE 10; Limb-girdle muscular dystrophy, type 2J. Identifiers: Orphanet 140922, MedGen C1837342, MONDO:0012127, OMIM 608807.
Dilated cardiomyopathy 1G (CMD1G). Identifiers: Orphanet 154, MedGen C1858763, MONDO:0011400, OMIM 604145.
Hypertrophic cardiomyopathy 9. Also called: Familial hypertrophic cardiomyopathy 9. Identifiers: MedGen C1861065, MONDO:0013412, OMIM 613765.
Early-onset myopathy with fatal cardiomyopathy (CMYO5). Also called: CONGENITAL MYOPATHY 5 WITH CARDIOMYOPATHY; Salih Myopathy. Identifiers: Orphanet 289377, MedGen C2673677, MONDO:0012714, OMIM 611705. Disease mechanism: loss of function.
Myopathy, myofibrillar, 9, with early respiratory failure (MFM9). Also called: Myopathy, distal, with early respiratory failure, autosomal dominant; EDSTROM MYOPATHY; MYOPATHY, PROXIMAL, WITH EARLY RESPIRATORY MUSCLE INVOLVEMENT; Hereditary myopathy with early respiratory failure. Identifiers: Orphanet 178464, Orphanet 34521, MedGen C1863599, MONDO:0011362, OMIM 603689.
Tibial muscular dystrophy (TMD). Also called: Tibial muscular dystrophy, tardive; UDD MYOPATHY; Udd Distal Myopathy – Tibial Muscular Dystrophy. Identifiers: Orphanet 609, MedGen C1838244, MONDO:0010870, OMIM 600334.

Allele frequency attached by ClinVar (database versions not stated): ExAC 0.00004; ESP Exome Variant Server 0.00008; gnomAD exomes 0.00009 and 0.00023; TOPMed 0.00012; gnomAD 0.00017 and 0.00019.
gnomAD v4.1: 348 of 1,612,982 alleles (0.022%); highest among the groups gnomAD compares: Non-Finnish European, 0.029%; no homozygotes.

Submissions (14):

Mayo Clinic Laboratories, Mayo Clinic
Classification: Uncertain significance. Last evaluated: 2025-11-16. Review status: criteria provided, single submitter. Criteria: ACMG Guidelines, 2015. Collection method: clinical testing. Allele origin: germline. Observed: 1 variant allele.
Comment: BP4

PreventionGenetics, part of Exact Sciences
Classification: Likely benign for TTN-related condition. Last evaluated: 2025-08-05. Review status: criteria provided, single submitter. Criteria: ACMG Guidelines, 2015. Collection method: clinical testing. Allele origin: germline.
Comment: This variant is classified as likely benign based on ACMG/AMP sequence variant interpretation guidelines (Richards et al. 2015 PMID: 25741868, with internal and published modifications).

Athena Diagnostics
Classification: Uncertain significance. Last evaluated: 2025-06-27. Review status: criteria provided, single submitter. Criteria: Athena Diagnostics Criteria. Collection method: clinical testing. Allele origin: unknown.
Comment: Available data are insufficient to determine the clinical significance of the variant at this time. The frequency of this variant in the general population is higher than would generally be expected for pathogenic variants in this gene. Polyphen and MutationTaster yielded discordant predictions regarding whether this amino acid change is damaging to the protein.

Molecular Diagnostic Laboratory for Inherited Cardiovascular Disease, Montreal Heart Institute
Classification: Likely benign. Last evaluated: 2025-04-09. Review status: criteria provided, single submitter. Criteria: ACMG Guidelines, 2015. Collection method: clinical testing. Allele origin: germline. Affected: no.

Fulgent Genetics
Classification: Uncertain significance for Tibial muscular dystrophy; Myopathy, myofibrillar, 9, with early respiratory failure; Dilated cardiomyopathy 1G; Autosomal recessive limb-girdle muscular dystrophy type 2J; Early-onset myopathy with fatal cardiomyopathy; Hypertrophic cardiomyopathy 9. Last evaluated: 2024-04-02. Review status: criteria provided, single submitter. Criteria: ACMG Guidelines, 2015. Collection method: clinical testing. Allele origin: germline.

Blueprint Genetics
Classification: Likely benign. Last evaluated: 2023-12-29. Review status: criteria provided, single submitter. Criteria: ACMG Guidelines, 2015. Collection method: clinical testing. Allele origin: germline.

Revvity Omics, Revvity
Classification: Uncertain significance. Last evaluated: 2023-09-27. Review status: criteria provided, single submitter. Criteria: ACMG Guidelines, 2015. Collection method: clinical testing. Allele origin: germline.

GeneDx
Classification: Likely benign. Last evaluated: 2020-07-07. Review status: criteria provided, single submitter. Criteria: GeneDx Variant Classification Process June 2021. Collection method: clinical testing. Allele origin: germline. Affected: yes.

Ambry Genetics
Classification: Uncertain significance for Cardiovascular phenotype. Last evaluated: 2019-08-14. Review status: criteria provided, single submitter. Criteria: Ambry Variant Classification Scheme 2023. Collection method: clinical testing. Allele origin: germline.
Comment: The p.Q8544L variant (also known as c.25631A>T), located in coding exon 103 of the TTN gene, results from an A to T substitution at nucleotide position 25631. The glutamine at codon 8544 is replaced by leucine, an amino acid with dissimilar properties. This amino acid position is well conserved in available vertebrate species. In addition, this alteration is predicted to be tolerated by in silico analysis. Since supporting evidence is limited at this time, the clinical significance of this alteration remains unclear.

Labcorp Genetics (formerly Invitae), Labcorp
Classification: Uncertain significance for Dilated cardiomyopathy 1G; Autosomal recessive limb-girdle muscular dystrophy type 2J. Last evaluated: 2017-06-14. Review status: criteria provided, single submitter. Criteria: Invitae Variant Classification Sherloc (09022015). Collection method: clinical testing. Allele origin: germline.

Laboratory for Molecular Medicine, Mass General Brigham Personalized Medicine
Classification: Uncertain significance. Last evaluated: 2017-01-31. Review status: criteria provided, single submitter. Criteria: LMM Criteria. Collection method: clinical testing. Allele origin: germline. Observed: 1 variant allele.
Comment: The p.Gln15041Leu variant in TTN has not been previously reported in individuals with cardiomyopathy, but has been reported in ClinVar (Variation ID 282638). It has also been identified in 25/126196 European chromosomes by the Genome Aggreg ation Database (gnomAD; dbSNP rs368820294). Co mputational prediction tools and conservation analysis suggest that the variant may impact the protein, though this information is not predictive enough to dete rmine pathogenicity. In summary, the clinical significance of the p.Gln15041Leu variant is uncertain.

Eurofins Ntd Llc (ga)
Classification: Uncertain significance. Last evaluated: 2015-08-21. Review status: criteria provided, single submitter. Criteria: EGL Classification Definitions 2015. Collection method: clinical testing. Allele origin: germline. Observed: 6 variant alleles, 4 heterozygotes.

Genome Diagnostics Laboratory, University Medical Center Utrecht
Classification: Uncertain significance. Review status: no assertion criteria provided. Collection method: clinical testing. Allele origin: germline. Affected: yes. Study: VKGL Data-share Consensus. Not counted in ClinVar's aggregate classification.

Joint Genome Diagnostic Labs from Nijmegen and Maastricht, Radboudumc and MUMC+
Classification: Uncertain significance. Review status: no assertion criteria provided. Collection method: clinical testing. Allele origin: germline. Affected: yes. Study: VKGL Data-share Consensus. Not counted in ClinVar's aggregate classification.